The following is an entry in ClinVar:

ClinVar aggregate classification (germline): Uncertain significance (1 of 4 stars; one submission).

Submission:

Labcorp Genetics (formerly Invitae), Labcorp
Classification: Uncertain significance. Last evaluated: 2024-06-09. Review status: criteria provided, single submitter. Criteria: Invitae Variant Classification Sherloc (09022015). Collection method: clinical testing. Allele origin: germline.
Comment: This sequence change replaces glycine, which is neutral and non-polar, with glutamic acid, which is acidic and polar, at codon 345 of the LEMD3 protein (p.Gly345Glu). This variant is not present in population databases (gnomAD no frequency). This variant has not been reported in the literature in individuals affected with LEMD3-related conditions. Advanced modeling of protein sequence and biophysical properties (such as structural, functional, and spatial information, amino acid conservation, physicochemical variation, residue mobility, and thermodynamic stability) performed at Invitae indicates that this missense variant is not expected to disrupt LEMD3 protein function with a negative predictive value of 80%. In summary, the available evidence is currently insufficient to determine the role of this variant in disease. Therefore, it has been classified as a Variant of Uncertain Significance.

NM_014319.5(LEMD3):c.1034G>A (p.Gly345Glu)

Gene: LEMD3 (LEM domain containing 3; plus strand). Cytogenetic location: 12q14.3.
Variant type: single nucleotide variant.
Coding change: c.1034G>A on transcript NM_014319.5 (MANE Select); coding-DNA position 1034, G replaced by A.
Protein change: p.Gly345Glu; replaces glycine 345 with glutamic acid.
Molecular consequence: missense variant.
Genome position (GRCh38, 1-based): chr12:65,170,630, G>A. VCF-style: chr12-65170630-G-A. GRCh37 (hg19) VCF-style: chr12-65564410-G-A.
Other names: c.1034G>A, p.Gly345Glu (NM_001167614.2); short protein forms G345E.
Identifiers: ClinVar variation 2745364 (VCV002745364.3), dbSNP rs2498940145, ClinGen allele CA385674801.